The following is an entry in ClinVar:

NM_001807.6(CEL):c.1929C>T (p.Ser643=)

Gene: CEL (carboxyl ester lipase; plus strand). Cytogenetic location: 9q34.13.
Variant type: single nucleotide variant.
Coding change: c.1929C>T on transcript NM_001807.6 (MANE Select); coding-DNA position 1929, C replaced by T.
Protein change: p.Ser643=; no amino-acid change (serine 643 retained).
Molecular consequence: synonymous variant.
Genome position (GRCh38, 1-based): chr9:133,071,431, C>T. VCF-style: chr9-133071431-C-T. GRCh37 (hg19) VCF-style: chr9-135946818-C-T.
Identifiers: ClinVar variation 3067287 (VCV003067287.21), dbSNP rs1297726333, ClinGen allele CA467814165.
Genomic context (GRCh38, chr9:133,071,431, plus strand): 5'-CCCCCCCGTGCCGCCCACGGGTGACTCCGGGGCCCCCCCCGTGCCGCCCACGGGTGACTC[C>T]GGGGCCCCCCCCGTGCCGCCCACGGGTGACTCCGGGGCCCCCCCCGTGCCGCCCACGGGT-3'
Protein context (NP_001798.3, residues 633-653): GAPPVPPTGD[Ser643=]GAPPVPPTGD

ClinVar aggregate classification (germline): Likely benign (1 of 4 stars; one submission).

Allele frequency attached by ClinVar (database versions not stated): gnomAD 0.00004.

Submission:

CeGaT Center for Human Genetics Tuebingen
Classification: Likely benign. Last evaluated: 2024-11-01. Review status: criteria provided, single submitter. Criteria: CeGaT Center For Human Genetics Tuebingen Variant Classification Criteria Version 2. Collection method: clinical testing. Allele origin: germline. Affected: yes. Observed: 2 variant alleles.
Comment: CEL: BP4, BP7